The following is an entry in ClinVar:

NM_152564.5(VPS13B):c.4831A>G (p.Ile1611Val)

Gene: VPS13B (vacuolar protein sorting 13 homolog B; plus strand). Cytogenetic location: 8q22.2.
Variant type: single nucleotide variant.
Coding change: c.4831A>G on transcript NM_152564.5 (MANE Select); coding-DNA position 4831, A replaced by G.
Protein change: p.Ile1611Val; replaces isoleucine 1611 with valine.
Molecular consequence: missense variant.
Genome position (GRCh38, 1-based): chr8:99,556,535, A>G. VCF-style: chr8-99556535-A-G. GRCh37 (hg19) VCF-style: chr8-100568763-A-G.
Other names: c.4906A>G, p.Ile1636Val (NM_017890.5); c.4831A>G (NM_152564.4); short protein forms I1611V, I1636V.
Identifiers: ClinVar variation 859426 (VCV000859426.8), dbSNP rs1824575477, ClinGen allele CA371869192.
Genomic context (GRCh38, chr8:99,556,535, plus strand): 5'-CGAGATCCTGGATCAGAAATCGAAGACAGACAATACCAAATAGATCTGCAGTCCATCAAT[A>G]TTGGTACTGCACAGTGGCATCAACTAAAACCAGAGAAGGAAAGTGTCTCAGGAGGGGTGG-3'
Protein context (NP_689777.3, residues 1601-1621): QYQIDLQSIN[Ile1611Val]GTAQWHQLKP

ClinVar aggregate classification (germline): Uncertain significance. Review status: criteria provided, multiple submitters, no conflicts (2 of 4 stars). 2 submissions from 2 submitters: Uncertain significance (2). Last evaluated 2025-04-15.

Conditions:
Cohen syndrome (COH1). Also called: PEPPER SYNDROME; Cutis verticis gyrata, retinitis pigmentosa, and sensorineural deafness. Identifiers: Orphanet 193, MedGen C0265223, MONDO:0008999, OMIM 216550.
VPS13B-related disorder. Also called: VPS13B-related condition.

Allele frequency attached by ClinVar (database versions not stated): gnomAD exomes below 0.00001.
gnomAD v4.1: 1 of 1,613,278 alleles (0.000062%); highest among the groups gnomAD compares: Non-Finnish European, 0.000085%; no homozygotes.

Submissions (2):

PreventionGenetics, part of Exact Sciences
Classification: Uncertain significance for VPS13B-related condition. Last evaluated: 2025-04-15. Review status: criteria provided, single submitter. Criteria: ACMG Guidelines, 2015. Collection method: clinical testing. Allele origin: germline.
Comment: The VPS13B c.4831A>G variant is predicted to result in the amino acid substitution p.Ile1611Val. To our knowledge, this variant has not been reported in the literature or in a large population database, indicating this variant is rare. At this time, the clinical significance of this variant is uncertain due to the absence of conclusive functional and genetic evidence.

Labcorp Genetics (formerly Invitae), Labcorp
Classification: Uncertain significance for Cohen syndrome. Last evaluated: 2023-05-08. Review status: criteria provided, single submitter. Criteria: Invitae Variant Classification Sherloc (09022015). Collection method: clinical testing. Allele origin: germline.
Comment: This sequence change replaces isoleucine, which is neutral and non-polar, with valine, which is neutral and non-polar, at codon 1636 of the VPS13B protein (p.Ile1636Val). This variant is not present in population databases (gnomAD no frequency). This variant has not been reported in the literature in individuals affected with VPS13B-related conditions. ClinVar contains an entry for this variant (Variation ID: 859426). Advanced modeling of protein sequence and biophysical properties (such as structural, functional, and spatial information, amino acid conservation, physicochemical variation, residue mobility, and thermodynamic stability) performed at Invitae indicates that this missense variant is not expected to disrupt VPS13B protein function. In summary, the available evidence is currently insufficient to determine the role of this variant in disease. Therefore, it has been classified as a Variant of Uncertain Significance.